The following is an entry in ClinVar:

ClinVar aggregate classification (germline): Uncertain significance (1 of 4 stars; one submission).

Conditions:
Ullrich congenital muscular dystrophy 2 (UCMD2). Identifiers: Orphanet 75840, MedGen C4225314, MONDO:0014654, OMIM 616470.
Bethlem myopathy 2 (BTHLM2). Identifiers: Orphanet 536516, Orphanet 610, MedGen C4225313, MONDO:0034022, OMIM 616471.

Submission:

Labcorp Genetics (formerly Invitae), Labcorp
Classification: Uncertain significance for Bethlem myopathy 2; Ullrich congenital muscular dystrophy 2. Last evaluated: 2023-06-15. Review status: criteria provided, single submitter. Criteria: Invitae Variant Classification Sherloc (09022015). Collection method: clinical testing. Allele origin: germline.
Comment: In summary, the available evidence is currently insufficient to determine the role of this variant in disease. Therefore, it has been classified as a Variant of Uncertain Significance. This variant has not been reported in the literature in individuals affected with COL12A1-related conditions. This variant is not present in population databases (gnomAD no frequency). This sequence change creates a premature translational stop signal (p.Thr1099Cysfs*6) in the COL12A1 gene. Multiple COL12A1 isoforms have been reported, and the functional impact of this variant is uncertain (PMID: 8601036).

Literature cited by the submitters: PubMed 8601036.

NM_004370.6(COL12A1):c.3295_3298del (p.Thr1099fs)

Gene: COL12A1 (collagen type XII alpha 1 chain; minus strand). Cytogenetic location: 6q13.
Variant type: Deletion.
Coding change: c.3295_3298del on transcript NM_004370.6 (MANE Select); coding-DNA positions 3295 to 3298, 4 bases deleted (ACCA; older notation c.3295_3298delACCA).
Protein change: p.Thr1099fs; shifts the reading frame from threonine 1099.
Molecular consequence: frameshift variant. On other transcripts: intron variant (2).
Genome position (GRCh38, 1-based): chr6:75,155,807-75,155,810, TGGT deleted on the plus strand (ACCA on the coding strand, the reverse complement: COL12A1 is on the minus strand); deleting any 4 consecutive bases within chr6:75,155,807-75,155,813 gives the same sequence; the c. name uses the placement nearest the transcript's 3' end. VCF-style (leftmost placement, unchanged base first): chr6-75155806-ATGGT-A. GRCh37 (hg19) VCF-style: chr6-75865522-ATGGT-A.
Other names: c.3295_3298del, p.Thr1099fs (NM_001424113.1, NM_001424114.1); c.3022_3025del, p.Thr1008fs (NM_001424115.1); c.74-3328_74-3325del (NM_001424116.1, NM_080645.3); short protein forms T1008fs, T1099fs.
Identifiers: ClinVar variation 2922764 (VCV002922764.3), dbSNP rs2533421586, ClinGen allele CA2740091449.